The following is an entry in ClinVar:

ClinVar aggregate classification (germline): Uncertain significance (1 of 4 stars; one submission).

Conditions:
Inborn genetic diseases. Identifiers: MedGen C0950123, MeSH D030342.

Submission:

Ambry Genetics
Classification: Uncertain significance for Inborn genetic diseases. Last evaluated: 2025-03-29. Review status: criteria provided, single submitter. Criteria: Ambry Variant Classification Scheme 2023. Collection method: clinical testing. Allele origin: germline.
Comment: The p.L967S variant (also known as c.2900T>C), located in coding exon 24 of the ANKRD26 gene, results from a T to C substitution at nucleotide position 2900. The leucine at codon 967 is replaced by serine, an amino acid with dissimilar properties. This amino acid position is conserved. In addition, this alteration is predicted to be tolerated by in silico analysis. Based on the available evidence, the clinical significance of this variant remains unclear.

NM_014915.3(ANKRD26):c.2900T>C (p.Leu967Ser)

Gene: ANKRD26 (ankyrin repeat domain containing 26; minus strand). Cytogenetic location: 10p12.1.
Variant type: single nucleotide variant.
Coding change: c.2900T>C on transcript NM_014915.3 (MANE Select); coding-DNA position 2900, T replaced by C.
Protein change: p.Leu967Ser; replaces leucine 967 with serine.
Molecular consequence: missense variant.
Genome position (GRCh38, 1-based): chr10:27,035,550, A>G on the plus strand (T>C on the coding strand, the complement: ANKRD26 is on the minus strand). VCF-style: chr10-27035550-A-G. GRCh37 (hg19) VCF-style: chr10-27324479-A-G.
Other names: c.2897T>C, p.Leu966Ser (NM_001256053.2); short protein forms L966S, L967S.
Identifiers: ClinVar variation 3913404 (VCV003913404.1).